The following is an entry in ClinVar:

NM_000535.7(PMS2):c.1192G>C (p.Glu398Gln)

Gene: PMS2 (PMS1 homolog 2, mismatch repair system component; minus strand). Cytogenetic location: 7p22.1.
Variant type: single nucleotide variant.
Coding change: c.1192G>C on transcript NM_000535.7 (MANE Select); coding-DNA position 1192, G replaced by C.
Protein change: p.Glu398Gln; replaces glutamic acid 398 with glutamine.
Molecular consequence: missense variant. On other transcripts: non-coding transcript variant (1).
Genome position (GRCh38, 1-based): chr7:5,987,573, C>G on the plus strand (G>C on the coding strand, the complement: PMS2 is on the minus strand). VCF-style: chr7-5987573-C-G. GRCh37 (hg19) VCF-style: chr7-6027204-C-G.
Other names: c.787G>C, p.Glu263Gln (NM_001322003.2, NM_001322004.2, NM_001322005.2 and 1 more transcripts); c.1036G>C, p.Glu346Gln (NM_001322006.2); c.874G>C, p.Glu292Gln (NM_001322007.2, NM_001322008.2); c.631G>C, p.Glu211Gln (NM_001322010.2); c.259G>C, p.Glu87Gln (NM_001322011.2, NM_001322012.2); c.619G>C, p.Glu207Gln (NM_001322013.2); c.1192G>C, p.Glu398Gln (NM_001322014.2); c.883G>C, p.Glu295Gln (NM_001322015.2); short protein forms E398Q, E207Q, E295Q, E346Q, E211Q, E263Q, E292Q, E87Q.
Identifiers: ClinVar variation 486923 (VCV000486923.18), dbSNP rs1171400724, ClinGen allele CA366742601.

ClinVar aggregate classification (germline): Uncertain significance. Review status: criteria provided, multiple submitters, no conflicts (2 of 4 stars). 4 submissions from 4 submitters: Uncertain significance (4). Last evaluated 2026-01-08.

Conditions:
Hereditary nonpolyposis colorectal neoplasms. Identifiers: MedGen C0009405, MeSH D003123.
Hereditary cancer-predisposing syndrome. Also called: Tumor predisposition; Hereditary Cancer Syndrome; Hereditary neoplastic syndrome; Neoplastic Syndromes, Hereditary. Identifiers: Orphanet 140162, MedGen C0027672, MeSH D009386, MONDO:0015356.
Lynch syndrome. Identifiers: Orphanet 144, MedGen C4552100, MONDO:0005835. Disease mechanism: loss of function.

Allele frequency attached by ClinVar (database versions not stated): TOPMed below 0.00001; gnomAD 0.00001; gnomAD exomes 0.00001.
gnomAD v4.1: 4 of 1,612,222 alleles (0.00025%); highest among the groups gnomAD compares: Non-Finnish European, 0.00025%; no homozygotes.

Submissions (4):

Labcorp Genetics (formerly Invitae), Labcorp
Classification: Uncertain significance for Hereditary nonpolyposis colorectal neoplasms. Last evaluated: 2026-01-08. Review status: criteria provided, single submitter. Criteria: Invitae Variant Classification Sherloc (09022015). Collection method: clinical testing. Allele origin: germline.
Comment: This sequence change replaces glutamic acid, which is acidic and polar, with glutamine, which is neutral and polar, at codon 398 of the PMS2 protein (p.Glu398Gln). This variant is not present in population databases (gnomAD no frequency). This missense change has been observed in individual(s) with juvenile hamartomatous polyps (PMID: 27146957). ClinVar contains an entry for this variant (Variation ID: 486923). Invitae Evidence Modeling incorporating data from in vitro experimental studies (internal data) indicates that this missense variant is not expected to disrupt PMS2 function with a negative predictive value of 95%. In summary, the available evidence is currently insufficient to determine the role of this variant in disease. Therefore, it has been classified as a Variant of Uncertain Significance.

Ambry Genetics
Classification: Uncertain significance for Hereditary cancer-predisposing syndrome. Last evaluated: 2025-01-03. Review status: criteria provided, single submitter. Criteria: Ambry Variant Classification Scheme 2023. Collection method: clinical testing. Allele origin: germline.

All of Us Research Program, National Institutes of Health
Classification: Uncertain significance for Lynch syndrome. Last evaluated: 2023-06-15. Review status: criteria provided, single submitter. Criteria: ACMG Guidelines, 2015. Collection method: clinical testing. Allele origin: germline. Inheritance: Autosomal dominant inheritance. Observed: 1 variant allele, 1 heterozygote.
Comment: This study involves interpretation of variants in research participants for the purpose of population health screening. Participant phenotype was not available at the time of variant classification. Additional details can be found in publication PMID: 35346344, PMCID: PMC8962531

Color Diagnostics, LLC DBA Color Health
Classification: Uncertain significance for Hereditary cancer-predisposing syndrome. Last evaluated: 2019-04-05. Review status: criteria provided, single submitter. Criteria: ACMG Guidelines, 2015. Collection method: clinical testing. Allele origin: germline.

Literature cited by the submitters: PubMed 27146957 (cited by Labcorp Genetics (formerly Invitae), Labcorp).